The following is an entry in ClinVar:

ClinVar aggregate classification (germline): Uncertain significance (1 of 4 stars; one submission).

Conditions:
Juvenile polyposis syndrome (JPS). Identifiers: Orphanet 2929, MedGen C0345893, MONDO:0017380, OMIM 174900.

Submission:

Labcorp Genetics (formerly Invitae), Labcorp
Classification: Uncertain significance for Juvenile polyposis syndrome. Last evaluated: 2025-04-22. Review status: criteria provided, single submitter. Criteria: Invitae Variant Classification Sherloc (09022015). Collection method: clinical testing. Allele origin: germline.
Comment: This sequence change replaces glutamine, which is neutral and polar, with leucine, which is neutral and non-polar, at codon 180 of the SMAD4 protein (p.Gln180Leu). This variant is not present in population databases (gnomAD no frequency). This variant has not been reported in the literature in individuals affected with SMAD4-related conditions. Invitae Evidence Modeling of protein sequence and biophysical properties (such as structural, functional, and spatial information, amino acid conservation, physicochemical variation, residue mobility, and thermodynamic stability) has been performed for this missense variant. However, the output from this modeling did not meet the statistical confidence thresholds required to predict the impact of this variant on SMAD4 protein function. In summary, the available evidence is currently insufficient to determine the role of this variant in disease. Therefore, it has been classified as a Variant of Uncertain Significance.

NM_005359.6(SMAD4):c.539A>T (p.Gln180Leu)

Gene: SMAD4 (SMAD family member 4; plus strand). Cytogenetic location: 18q21.2.
Variant type: single nucleotide variant.
Coding change: c.539A>T on transcript NM_005359.6 (MANE Select); coding-DNA position 539, A replaced by T.
Protein change: p.Gln180Leu; replaces glutamine 180 with leucine.
Molecular consequence: missense variant. On other transcripts: non-coding transcript variant (2).
Genome position (GRCh38, 1-based): chr18:51,054,865, A>T. VCF-style: chr18-51054865-A-T. GRCh37 (hg19) VCF-style: chr18-48581235-A-T.
Other names: c.539A>T, p.Gln180Leu (NM_001407041.1, NM_001407042.1, NM_001407043.1); short protein forms Q180L.
Identifiers: ClinVar variation 4803020 (VCV004803020.1).
Genomic context (GRCh38, chr18:51,054,865, plus strand): 5'-ATGAATATGTGCATGACTTTGAGGGACAGCCATCGTTGTCCACTGAAGGACATTCAATTC[A>T]AACCATCCAGCATCCACCAAGTAATCGTGCATCGACAGAGACATACAGCACCCCAGCTCT-3'
Protein context (NP_005350.1, residues 170-190): PSLSTEGHSI[Gln180Leu]TIQHPPSNRA